The following is an entry in ClinVar:

ClinVar aggregate classification (germline): Uncertain significance (1 of 4 stars; one submission).

Allele frequency attached by ClinVar (database versions not stated): gnomAD exomes below 0.00001 and 0.00003; gnomAD 0.00001 and 0.00002; TOPMed 0.00001; 1000 Genomes Project 0.00020; 1000 Genomes Project 30x 0.00031.
gnomAD v4.1: 50 of 1,587,598 alleles (0.0031%); highest among the groups gnomAD compares: Non-Finnish European, 0.0039%; no homozygotes.

Submission:

Labcorp Genetics (formerly Invitae), Labcorp
Classification: Uncertain significance. Last evaluated: 2025-09-12. Review status: criteria provided, single submitter. Criteria: Invitae Variant Classification Sherloc (09022015). Collection method: clinical testing. Allele origin: germline.
Comment: This sequence change replaces arginine, which is basic and polar, with histidine, which is basic and polar, at codon 484 of the MICAL1 protein (p.Arg484His). This variant is not present in population databases (gnomAD no frequency). This variant has not been reported in the literature in individuals affected with MICAL1-related conditions. ClinVar contains an entry for this variant (Variation ID: 1487933). An algorithm developed to predict the effect of missense changes on protein structure and function (PolyPhen-2) suggests that this variant is likely to be disruptive. In summary, the available evidence is currently insufficient to determine the role of this variant in disease. Therefore, it has been classified as a Variant of Uncertain Significance.

NM_022765.4(MICAL1):c.1394G>A (p.Arg465His)

Gene: MICAL1 (microtubule associated monooxygenase, calponin and LIM domain containing 1; minus strand). Cytogenetic location: 6q21.
Variant type: single nucleotide variant.
Coding change: c.1394G>A on transcript NM_022765.4 (MANE Select); coding-DNA position 1394, G replaced by A.
Protein change: p.Arg465His; replaces arginine 465 with histidine.
Molecular consequence: missense variant.
Genome position (GRCh38, 1-based): chr6:109,449,697, C>T on the plus strand (G>A on the coding strand, the complement: MICAL1 is on the minus strand). VCF-style: chr6-109449697-C-T. GRCh37 (hg19) VCF-style: chr6-109770900-C-T.
Other names: c.1136G>A, p.Arg379His (NM_001159291.2); c.1451G>A, p.Arg484His (NM_001286613.2); short protein forms R379H, R465H, R484H.
Identifiers: ClinVar variation 1487933 (VCV001487933.6), dbSNP rs200256677, ClinGen allele CA145120099.